The following is an entry in ClinVar:

NM_004444.5(EPHB4):c.755G>A (p.Gly252Asp)

Gene: EPHB4 (EPH receptor B4; minus strand). Cytogenetic location: 7q22.1.
Variant type: single nucleotide variant.
Coding change: c.755G>A on transcript NM_004444.5 (MANE Select); coding-DNA position 755, G replaced by A.
Protein change: p.Gly252Asp; replaces glycine 252 with aspartic acid.
Molecular consequence: missense variant.
Genome position (GRCh38, 1-based): chr7:100,822,324, C>T on the plus strand (G>A on the coding strand, the complement: EPHB4 is on the minus strand). VCF-style: chr7-100822324-C-T. GRCh37 (hg19) VCF-style: chr7-100419946-C-T.
Other names: c.755G>A (NM_004444.4); short protein forms G252D.
Identifiers: ClinVar variation 2428527 (VCV002428527.4), dbSNP rs759962143, ClinGen allele CA4393217.

ClinVar aggregate classification (germline): Uncertain significance. Review status: criteria provided, multiple submitters, no conflicts (2 of 4 stars). 2 submissions from 2 submitters: Uncertain significance (2). Last evaluated 2026-01-08.

Conditions:
EPHB4-related disorder. Also called: EPHB4-related disorders; EPHB4-related condition.

Allele frequency attached by ClinVar (database versions not stated): ExAC 0.00009.
gnomAD v4.1: 31 of 1,567,394 alleles (0.002%); highest among the groups gnomAD compares: Non-Finnish European, 0.0026%; no homozygotes.

Submissions (2):

PreventionGenetics, part of Exact Sciences
Classification: Uncertain significance for EPHB4-related condition. Last evaluated: 2026-01-08. Review status: criteria provided, single submitter. Criteria: ACMG Guidelines, 2015. Collection method: clinical testing. Allele origin: germline.
Comment: The EPHB4 c.755G>A variant is predicted to result in the amino acid substitution p.Gly252Asp. To our knowledge, this variant has not been reported in the literature. This variant is reported in 0.0014% of alleles in individuals of European (Non-Finnish) descent in gnomAD. At this time, the clinical significance of this variant is uncertain due to the absence of conclusive functional and genetic evidence.

ARUP Laboratories, Molecular Genetics and Genomics, ARUP Laboratories
Classification: Uncertain significance. Last evaluated: 2022-04-15. Review status: criteria provided, single submitter. Criteria: ARUP Molecular Germline Variant Investigation Process 2021. Collection method: clinical testing. Allele origin: germline.
Comment: The EPHB4 c.755G>A; p.Gly252Asp variant (rs759962143), to our knowledge, is not reported in the medical literature or gene specific databases. This variant is only observed on one allele in the Genome Aggregation Database, indicating it is not a common polymorphism. The glycine at codon 252 is highly conserved, but computational analyses are uncertain whether this variant is neutral or deleterious (REVEL: 0.424). Due to limited information, the clinical significance of the p.Gly252Asp variant is uncertain at this time.